The following is an entry in ClinVar:

NM_014806.5(RUSC2):c.1162C>T (p.Arg388Cys)

Gene: RUSC2 (RUN and SH3 domain containing 2; plus strand). Cytogenetic location: 9p13.3.
Variant type: single nucleotide variant.
Coding change: c.1162C>T on transcript NM_014806.5 (MANE Select); coding-DNA position 1162, C replaced by T.
Protein change: p.Arg388Cys; replaces arginine 388 with cysteine.
Molecular consequence: missense variant. On other transcripts: non-coding transcript variant (1), intron variant (1).
Genome position (GRCh38, 1-based): chr9:35,547,683, C>T. VCF-style: chr9-35547683-C-T. GRCh37 (hg19) VCF-style: chr9-35547680-C-T.
Other names: c.1162C>T, p.Arg388Cys (NM_001135999.2); c.-620-7377C>T (NM_001330740.2); short protein forms R388C.
Identifiers: ClinVar variation 2196846 (VCV002196846.4), dbSNP rs891776488, ClinGen allele CA373331477.

ClinVar aggregate classification (germline): Uncertain significance (1 of 4 stars; one submission).

gnomAD v4.1: 13 of 1,614,180 alleles (0.00081%); highest among the groups gnomAD compares: African/African-American, 0.0013%; no homozygotes.

Submission:

Labcorp Genetics (formerly Invitae), Labcorp
Classification: Uncertain significance. Last evaluated: 2022-07-02. Review status: criteria provided, single submitter. Criteria: Invitae Variant Classification Sherloc (09022015). Collection method: clinical testing. Allele origin: germline.
Comment: This variant has not been reported in the literature in individuals affected with RUSC2-related conditions. In summary, the available evidence is currently insufficient to determine the role of this variant in disease. Therefore, it has been classified as a Variant of Uncertain Significance. Algorithms developed to predict the effect of missense changes on protein structure and function are either unavailable or do not agree on the potential impact of this missense change (SIFT: "Deleterious"; PolyPhen-2: "Probably Damaging"; Align-GVGD: "Class C0"). This variant is present in population databases (no rsID available, gnomAD 0.004%). This sequence change replaces arginine, which is basic and polar, with cysteine, which is neutral and slightly polar, at codon 388 of the RUSC2 protein (p.Arg388Cys).